The following is an entry in ClinVar:

NM_000214.3(JAG1):c.851G>A (p.Cys284Tyr)

Gene: JAG1 (jagged canonical Notch ligand 1; minus strand). Cytogenetic location: 20p12.2.
Variant type: single nucleotide variant.
Coding change: c.851G>A on transcript NM_000214.3 (MANE Select); coding-DNA position 851, G replaced by A.
Protein change: p.Cys284Tyr; replaces cysteine 284 with tyrosine.
Molecular consequence: missense variant.
Genome position (GRCh38, 1-based): chr20:10,652,503, C>T on the plus strand (G>A on the coding strand, the complement: JAG1 is on the minus strand). VCF-style: chr20-10652503-C-T. GRCh37 (hg19) VCF-style: chr20-10633151-C-T.
Other names: short protein forms C284Y.
Identifiers: ClinVar variation 2636597 (VCV002636597.4), dbSNP rs1555829067, ClinGen allele CA408239271.

ClinVar aggregate classification (germline): Likely pathogenic (1 of 4 stars; one submission).

Conditions:
JAG1-related disorder. Also called: JAG1-related disorders; JAG1-related condition.

Submissions (2):

PreventionGenetics, part of Exact Sciences
Classification: Likely pathogenic for JAG1-related condition. Last evaluated: 2026-04-29. Review status: criteria provided, single submitter. Criteria: ACMG Guidelines, 2015. Collection method: clinical testing. Allele origin: germline.
Comment: The JAG1 c.851G>A variant is predicted to result in the amino acid substitution p.Cys284Tyr. This variant has been reported in an individual with Alagille syndrome (ALGS) (Table S3A, Neřoldová et al. 2023. PubMed ID: 37471416). Functional studies suggest this variant impacts protein function (Table S2, Gilbert et al. 2024 PMID:39043182). To our knowledge, this variant has not been reported in a large population database, indicating this variant is rare. Statistical evidence in gnomAD suggests this region of the JAG1 gene is intolerant of missense variation. An alternate missense change at the same amino acid position (c.851G>T, p.Cys284Phe) has been reported in an individual with ALGS (Crosnier et al. 1999. PubMed ID: 10220506). This variant is interpreted as likely pathogenic.

Gilbert/Spinner Lab, Children's Hospital of Philadelphia
No classification provided (evidence only). Condition: Alagille syndrome. Review status: no classification provided. Collection method: research. Allele origin: not applicable. Functional consequence: functionally_abnormal. Not counted in ClinVar's aggregate classification.
ClinVar note: "not provided" was previously submitted as the classification for the variant. However, the classification appeared to be based only on an observation of functional data so it was converted to no classification on 2025-07-30.